The following is an entry in ClinVar:

ClinVar aggregate classification (germline): Uncertain significance. Review status: criteria provided, multiple submitters, no conflicts (2 of 4 stars). 2 submissions from 2 submitters: Uncertain significance (2). Last evaluated 2025-12-13.

Allele frequency attached by ClinVar (database versions not stated): 1000 Genomes Project 30x 0.00016.
gnomAD v4.1: 25 of 1,613,410 alleles (0.0015%); highest among the groups gnomAD compares: East Asian, 0.054%; no homozygotes.

Submissions (2):

Labcorp Genetics (formerly Invitae), Labcorp
Classification: Uncertain significance. Last evaluated: 2025-12-13. Review status: criteria provided, single submitter. Criteria: Invitae Variant Classification Sherloc (09022015). Collection method: clinical testing. Allele origin: germline.
Comment: This sequence change replaces valine, which is neutral and non-polar, with glycine, which is neutral and non-polar, at codon 627 of the RNF43 protein (p.Val627Gly). This variant is present in population databases (rs199831923, gnomAD 0.07%), and has an allele count higher than expected for a pathogenic variant. This variant has not been reported in the literature in individuals affected with RNF43-related conditions. ClinVar contains an entry for this variant (Variation ID: 1055311). An algorithm developed to predict the effect of missense changes on protein structure and function (PolyPhen-2) suggests that this variant is likely to be tolerated. In summary, the available evidence is currently insufficient to determine the role of this variant in disease. Therefore, it has been classified as a Variant of Uncertain Significance.

Ambry Genetics
Classification: Uncertain significance. Last evaluated: 2024-11-24. Review status: criteria provided, single submitter. Criteria: Ambry Variant Classification Scheme 2023. Collection method: clinical testing. Allele origin: germline.
Comment: The p.V627G variant (also known as c.1880T>G), located in coding exon 8 of the RNF43 gene, results from a T to G substitution at nucleotide position 1880. The valine at codon 627 is replaced by glycine, an amino acid with dissimilar properties. This amino acid position is conserved. In addition, this alteration is predicted to be tolerated by in silico analysis. Based on the available evidence, the clinical significance of this variant remains unclear.

NM_017763.6(RNF43):c.1880T>G (p.Val627Gly)

Gene: RNF43 (ring finger protein 43; minus strand). Cytogenetic location: 17q22.
Variant type: single nucleotide variant.
Coding change: c.1880T>G on transcript NM_017763.6 (MANE Select); coding-DNA position 1880, T replaced by G.
Protein change: p.Val627Gly; replaces valine 627 with glycine.
Molecular consequence: missense variant.
Genome position (GRCh38, 1-based): chr17:58,357,896, A>C on the plus strand (T>G on the coding strand, the complement: RNF43 is on the minus strand). VCF-style: chr17-58357896-A-C. GRCh37 (hg19) VCF-style: chr17-56435257-A-C.
Other names: c.1880T>G, p.Val627Gly (NM_001305544.3); c.1499T>G, p.Val500Gly (NM_001305545.2); short protein forms V500G, V627G.
Identifiers: ClinVar variation 1055311 (VCV001055311.11), dbSNP rs199831923, ClinGen allele CA8673101.